The following is an entry in ClinVar:

ClinVar aggregate classification (germline): Benign. Review status: criteria provided, multiple submitters, no conflicts (2 of 4 stars). 4 submissions from 4 submitters: Benign (4). Last evaluated 2024-11-27.

Conditions:
Primary ciliary dyskinesia 33. Also called: CILIARY DYSKINESIA, PRIMARY, 33, WITHOUT SITUS INVERSUS. Identifiers: Orphanet 244, MedGen C4225230, MONDO:0014750, OMIM 616726.

Submissions (4):

Blueprint Genetics
Classification: Benign. Last evaluated: 2024-11-27. Review status: criteria provided, single submitter. Criteria: ACMG Guidelines, 2015. Collection method: clinical testing. Allele origin: germline.

Genome-Nilou Lab
Classification: Benign for Primary ciliary dyskinesia 33. Last evaluated: 2021-08-10. Review status: criteria provided, single submitter. Criteria: ACMG Guidelines, 2015. Collection method: clinical testing. Allele origin: germline. Affected: no.

GeneDx
Classification: Benign. Last evaluated: 2019-01-17. Review status: criteria provided, single submitter. Criteria: GeneDx Variant Classification Process June 2021. Collection method: clinical testing. Allele origin: germline. Affected: yes.

Laboratory for Molecular Medicine, Mass General Brigham Personalized Medicine
Classification: Benign. Last evaluated: 2016-03-28. Review status: criteria provided, single submitter. Criteria: LMM Criteria. Collection method: clinical testing. Allele origin: germline.
Comment: Variant identified in a genome or exome case(s) and assessed due to predicted null impact of the variant or pathogenic assertions in the literature or databases. Disclaimer: This variant has not undergone full assessment. The following are preliminary notes: Frequency

NM_001481.3(DRC4):c.*9dup

Gene: DRC4 (dynein regulatory complex subunit 4; plus strand). Cytogenetic location: 16q24.3.
Variant type: Duplication.
Coding change: c.*9dup on transcript NM_001481.3 (MANE Select); 9 bases downstream of the stop codon, one base duplicated (C; older notation c.*9dupC).
Molecular consequence: 3 prime UTR variant. On other transcripts: non-coding transcript variant (1).
Genome position (GRCh38, 1-based): chr16:90,043,354, C duplicated; the last of 6 consecutive C bases (chr16:90,043,349-90,043,354); duplicating any one gives the same sequence. VCF-style (leftmost placement, unchanged base first): chr16-90043348-G-GC. GRCh37 (hg19) VCF-style: chr16-90109756-G-GC.
Other names: c.*9dup (NM_001286205.2, NM_001286208.2, NM_001286209.2).
Identifiers: ClinVar variation 402895 (VCV000402895.9), dbSNP rs3833069, ClinGen allele CA8258274.
Genomic context (GRCh38, chr16:90,043,348, plus strand): 5'-TGTGATCGGACAGACACTGGGCCAGGGCCCCGCGGGACTGGTGGGCACCCCGACGTAGCT[G>GC]CCCCCCTGGGGGGCCACAGCCCAGAGAACCAGCCTAGGAACACTCGGGATGACACCCCTT-3'